The following is an entry in ClinVar:

NM_172107.4(KCNQ2):c.634G>T (p.Asp212Tyr)

Gene: KCNQ2 (potassium voltage-gated channel subfamily Q member 2; minus strand). Cytogenetic location: 20q13.33.
Variant type: single nucleotide variant.
Coding change: c.634G>T on transcript NM_172107.4 (MANE Select); coding-DNA position 634, G replaced by T.
Protein change: p.Asp212Tyr; replaces aspartic acid 212 with tyrosine.
Molecular consequence: missense variant.
Genome position (GRCh38, 1-based): chr20:63,444,715, C>A on the plus strand (G>T on the coding strand, the complement: KCNQ2 is on the minus strand). VCF-style: chr20-63444715-C-A. GRCh37 (hg19) VCF-style: chr20-62076068-C-A.
Other names: c.634G>T, p.Asp212Tyr (NM_001382235.1, NM_004518.6, NM_172106.3 and 2 more transcripts); short protein forms D212Y.
Identifiers: ClinVar variation 2573140 (VCV002573140.3), dbSNP rs2516502770, ClinGen allele CA409654743.

Conditions:
Complex neurodevelopmental disorder. Identifiers: Orphanet 528084, MedGen C5568766, MONDO:0100038.

Submissions (6):

Channelopathy-Associated Epilepsy Research Center
No classification provided (evidence only). Condition: Complex neurodevelopmental disorder. Review status: no classification provided. Collection method: literature only. Allele origin: not applicable. Functional consequence: Severe decrease in peak current, Severe slowing of activation, Severe hyperpolarizing shift of voltage dependence of activation.
ClinVar note: "not provided" was previously submitted as the classification for the variant. However, the classification appeared to be based only on an observation of functional data so it was converted to no classification on 2025-07-30.

Channelopathy-Associated Epilepsy Research Center
No classification provided (evidence only). Review status: no classification provided. Collection method: in vitro. Allele origin: not applicable. Functional consequence: Normal peak current. Not counted in ClinVar's aggregate classification.

Channelopathy-Associated Epilepsy Research Center
No classification provided (evidence only). Review status: no classification provided. Collection method: in vitro. Allele origin: not applicable. Functional consequence: Normal peak current. Not counted in ClinVar's aggregate classification.

Channelopathy-Associated Epilepsy Research Center
No classification provided (evidence only). Review status: no classification provided. Collection method: in vitro. Allele origin: not applicable. Functional consequence: Hyperpolarizing shift of voltage dependence of activation. Not counted in ClinVar's aggregate classification.

Channelopathy-Associated Epilepsy Research Center
No classification provided (evidence only). Review status: no classification provided. Collection method: in vitro. Allele origin: not applicable. Functional consequence: Normal slope of activation. Not counted in ClinVar's aggregate classification.

Channelopathy-Associated Epilepsy Research Center
No classification provided (evidence only). Review status: no classification provided. Collection method: in vitro. Allele origin: not applicable. Functional consequence: Normal rate of activation. Not counted in ClinVar's aggregate classification.

Literature cited by the submitters: PubMed 35104249.